The following is an entry in ClinVar:

NM_000301.5(PLG):c.1124A>G (p.Gln375Arg)

Gene: PLG (plasminogen; plus strand). Cytogenetic location: 6q26.
Variant type: single nucleotide variant.
Coding change: c.1124A>G on transcript NM_000301.5 (MANE Select); coding-DNA position 1124, A replaced by G.
Protein change: p.Gln375Arg; replaces glutamine 375 with arginine.
Molecular consequence: missense variant.
Genome position (GRCh38, 1-based): chr6:160,722,435, A>G. VCF-style: chr6-160722435-A-G. GRCh37 (hg19) VCF-style: chr6-161143467-A-G.
Other names: short protein forms Q375R.
Identifiers: ClinVar variation 4692811 (VCV004692811.1).

ClinVar aggregate classification (germline): Uncertain significance (1 of 4 stars; one submission).

gnomAD v4.1: 12 of 1,612,876 alleles (0.00074%); highest among the groups gnomAD compares: African/African-American, 0.016%; no homozygotes.

Submission:

Labcorp Genetics (formerly Invitae), Labcorp
Classification: Uncertain significance. Last evaluated: 2026-01-14. Review status: criteria provided, single submitter. Criteria: Invitae Variant Classification Sherloc (09022015). Collection method: clinical testing. Allele origin: germline.
Comment: This sequence change replaces glutamine, which is neutral and polar, with arginine, which is basic and polar, at codon 375 of the PLG protein (p.Gln375Arg). This variant is present in population databases (rs142086839, gnomAD 0.03%). This variant has not been reported in the literature in individuals affected with PLG-related conditions. Invitae Evidence Modeling of protein sequence and biophysical properties (such as structural, functional, and spatial information, amino acid conservation, physicochemical variation, residue mobility, and thermodynamic stability) indicates that this missense variant is not expected to disrupt PLG protein function with a negative predictive value of 80%. In summary, the available evidence is currently insufficient to determine the role of this variant in disease. Therefore, it has been classified as a Variant of Uncertain Significance.